The following is an entry in ClinVar:

ClinVar aggregate classification (germline): Uncertain significance (1 of 4 stars; one submission).

Submission:

GeneDx
Classification: Uncertain significance. Last evaluated: 2022-07-26. Review status: criteria provided, single submitter. Criteria: GeneDx Variant Classification Process June 2021. Collection method: clinical testing. Allele origin: germline. Affected: yes.
Comment: Not observed at significant frequency in large population cohorts (gnomAD); In silico analysis supports that this missense variant does not alter protein structure/function; Has not been previously published as pathogenic or benign to our knowledge

NM_033109.5(PNPT1):c.716A>C (p.Gln239Pro)

Gene: PNPT1 (polyribonucleotide nucleotidyltransferase 1; minus strand). Cytogenetic location: 2p16.1.
Variant type: single nucleotide variant.
Coding change: c.716A>C on transcript NM_033109.5 (MANE Select); coding-DNA position 716, A replaced by C.
Protein change: p.Gln239Pro; replaces glutamine 239 with proline.
Molecular consequence: missense variant.
Genome position (GRCh38, 1-based): chr2:55,673,043, T>G on the plus strand (A>C on the coding strand, the complement: PNPT1 is on the minus strand). VCF-style: chr2-55673043-T-G. GRCh37 (hg19) VCF-style: chr2-55900178-T-G.
Other names: short protein forms Q239P.
Identifiers: ClinVar variation 1702655 (VCV001702655.2), dbSNP rs766647494, ClinGen allele CA1668360.